The following is an entry in ClinVar:

NM_001042492.3(NF1):c.2060T>A (p.Leu687Gln)

Gene: NF1 (neurofibromin 1; plus strand). Cytogenetic location: 17q11.2.
Variant type: single nucleotide variant.
Coding change: c.2060T>A on transcript NM_001042492.3 (MANE Select); coding-DNA position 2060, T replaced by A.
Protein change: p.Leu687Gln; replaces leucine 687 with glutamine.
Molecular consequence: missense variant.
Genome position (GRCh38, 1-based): chr17:31,226,493, T>A. VCF-style: chr17-31226493-T-A. GRCh37 (hg19) VCF-style: chr17-29553511-T-A.
Other names: c.2060T>A, p.Leu687Gln (NM_000267.4); short protein forms L687Q.
Identifiers: ClinVar variation 1785223 (VCV001785223.2), dbSNP rs2508155275, ClinGen allele CA398982124.

ClinVar aggregate classification (germline): Uncertain significance (1 of 4 stars; one submission).

Conditions:
Hereditary cancer-predisposing syndrome. Also called: Neoplastic Syndromes, Hereditary; Tumor predisposition; Hereditary Cancer Syndrome; Hereditary neoplastic syndrome. Identifiers: Orphanet 140162, MedGen C0027672, MeSH D009386, MONDO:0015356.
Cardiovascular phenotype. Identifiers: MedGen CN230736.

Submission:

Ambry Genetics
Classification: Uncertain significance for Cardiovascular phenotype; Hereditary cancer-predisposing syndrome. Last evaluated: 2022-03-02. Review status: criteria provided, single submitter. Criteria: Ambry Variant Classification Scheme 2023. Collection method: clinical testing. Allele origin: germline.
Comment: The p.L687Q variant (also known as c.2060T>A), located in coding exon 18 of the NF1 gene, results from a T to A substitution at nucleotide position 2060. The leucine at codon 687 is replaced by glutamine, an amino acid with dissimilar properties. This amino acid position is conserved. In addition, this alteration is predicted to be deleterious by in silico analysis. Since supporting evidence is limited at this time, the clinical significance of this alteration remains unclear.